The following is an entry in ClinVar:

NM_004370.6(COL12A1):c.4792G>T (p.Val1598Phe)

Gene: COL12A1 (collagen type XII alpha 1 chain; minus strand). Cytogenetic location: 6q13.
Variant type: single nucleotide variant.
Coding change: c.4792G>T on transcript NM_004370.6 (MANE Select); coding-DNA position 4792, G replaced by T.
Protein change: p.Val1598Phe; replaces valine 1598 with phenylalanine.
Molecular consequence: missense variant.
Genome position (GRCh38, 1-based): chr6:75,143,287, C>A on the plus strand (G>T on the coding strand, the complement: COL12A1 is on the minus strand). VCF-style: chr6-75143287-C-A. GRCh37 (hg19) VCF-style: chr6-75853003-C-A.
Other names: c.4792G>T, p.Val1598Phe (NM_001424113.1, NM_001424114.1); c.4519G>T, p.Val1507Phe (NM_001424115.1); c.1300G>T, p.Val434Phe (NM_001424116.1, NM_080645.3); short protein forms V1598F, V434F, V1507F.
Identifiers: ClinVar variation 4789976 (VCV004789976.1).

ClinVar aggregate classification (germline): Uncertain significance (1 of 4 stars; one submission).

Conditions:
Ullrich congenital muscular dystrophy 2 (UCMD2). Identifiers: Orphanet 75840, MedGen C4225314, MONDO:0014654, OMIM 616470.
Bethlem myopathy 2 (BTHLM2). Identifiers: Orphanet 536516, Orphanet 610, MedGen C4225313, MONDO:0034022, OMIM 616471.

Submission:

Labcorp Genetics (formerly Invitae), Labcorp
Classification: Uncertain significance for Bethlem myopathy 2; Ullrich congenital muscular dystrophy 2. Last evaluated: 2025-08-16. Review status: criteria provided, single submitter. Criteria: Invitae Variant Classification Sherloc (09022015). Collection method: clinical testing. Allele origin: germline.
Comment: This sequence change replaces valine, which is neutral and non-polar, with phenylalanine, which is neutral and non-polar, at codon 1598 of the COL12A1 protein (p.Val1598Phe). This variant is not present in population databases (gnomAD no frequency). This variant has not been reported in the literature in individuals affected with COL12A1-related conditions. Invitae Evidence Modeling of protein sequence and biophysical properties (such as structural, functional, and spatial information, amino acid conservation, physicochemical variation, residue mobility, and thermodynamic stability) indicates that this missense variant is not expected to disrupt COL12A1 protein function with a negative predictive value of 80%. In summary, the available evidence is currently insufficient to determine the role of this variant in disease. Therefore, it has been classified as a Variant of Uncertain Significance.